The following is an entry in ClinVar:

ClinVar aggregate classification (germline): Likely pathogenic (1 of 4 stars; one submission).

Conditions:
Familial focal epilepsy with variable foci (FPEVF). Identifiers: Orphanet 98820, MedGen C1858477, MONDO:0020310.

Submission:

Labcorp Genetics (formerly Invitae), Labcorp
Classification: Likely pathogenic for Familial focal epilepsy with variable foci. Last evaluated: 2020-02-25. Review status: criteria provided, single submitter. Criteria: Invitae Variant Classification Sherloc (09022015). Collection method: clinical testing. Allele origin: germline.
Comment: This variant results in a copy number gain of the genomic region encompassing exons 4-6 of the DEPDC5 gene. While the exact position of this variant cannot be determined from this data, sub-genic copy number gains are generally in tandem (PMID: 25640679) and may result in an absent or disrupted protein product. In summary, the currently available evidence indicates that the variant is pathogenic, but additional data are needed to prove that conclusively. Therefore, this variant has been classified as Likely Pathogenic. Loss-of-function variants in DEPDC5 are known to be pathogenic (PMID: 23542697, 23542701). This variant has not been reported in the literature in individuals with DEPDC5-related conditions.

Literature cited by the submitters: PubMed 25640679; PubMed 23542697; PubMed 23542701.

NC_000022.10:g.(?_32156622)_(32162674_?)dup

Gene: DEPDC5 (DEP domain containing 5, GATOR1 subcomplex subunit; plus strand). Cytogenetic location: 22q12.2.
Variant type: Duplication.
Identifiers: ClinVar variation 1067647 (VCV001067647.5).